The following is an entry in ClinVar:

NM_015512.5(DNAH1):c.10508G>A (p.Arg3503His)

Gene: DNAH1 (dynein axonemal heavy chain 1; plus strand). Cytogenetic location: 3p21.1.
Variant type: single nucleotide variant.
Coding change: c.10508G>A on transcript NM_015512.5 (MANE Select); coding-DNA position 10508, G replaced by A.
Protein change: p.Arg3503His; replaces arginine 3503 with histidine.
Molecular consequence: missense variant.
Genome position (GRCh38, 1-based): chr3:52,393,367, G>A. VCF-style: chr3-52393367-G-A. GRCh37 (hg19) VCF-style: chr3-52427383-G-A.
Other names: short protein forms R3503H.
Identifiers: ClinVar variation 3502971 (VCV003502971.3).

ClinVar aggregate classification (germline): Uncertain significance. Review status: criteria provided, multiple submitters, no conflicts (2 of 4 stars). 3 submissions from 3 submitters: Uncertain significance (3). Last evaluated 2025-04-17.

Conditions:
Spermatogenic failure 18. Identifiers: MedGen C4539783, MONDO:0054615, OMIM 617576.
Ciliary dyskinesia, primary, 37 (CILD37). Also called: CILIARY DYSKINESIA, PRIMARY, 37, WITH OR WITHOUT SITUS INVERSUS. Identifiers: MedGen C4539798, MONDO:0033204, OMIM 617577.

gnomAD v4.1: 13 of 1,613,928 alleles (0.00081%); highest among the groups gnomAD compares: African/African-American, 0.0053%; no homozygotes.

Submissions (3):

Labcorp Genetics (formerly Invitae), Labcorp
Classification: Uncertain significance for Ciliary dyskinesia, primary, 37; Spermatogenic failure 18. Last evaluated: 2025-04-17. Review status: criteria provided, single submitter. Criteria: Invitae Variant Classification Sherloc (09022015). Collection method: clinical testing. Allele origin: germline.
Comment: This sequence change replaces arginine, which is basic and polar, with histidine, which is basic and polar, at codon 3503 of the DNAH1 protein (p.Arg3503His). This variant is present in population databases (rs534018336, gnomAD 0.006%). This variant has not been reported in the literature in individuals affected with DNAH1-related conditions. ClinVar contains an entry for this variant (Variation ID: 3502971). Invitae Evidence Modeling of protein sequence and biophysical properties (such as structural, functional, and spatial information, amino acid conservation, physicochemical variation, residue mobility, and thermodynamic stability) indicates that this missense variant is expected to disrupt DNAH1 protein function with a positive predictive value of 80%. In summary, the available evidence is currently insufficient to determine the role of this variant in disease. Therefore, it has been classified as a Variant of Uncertain Significance.

ARUP Laboratories, Molecular Genetics and Genomics, ARUP Laboratories
Classification: Uncertain significance. Last evaluated: 2025-01-30. Review status: criteria provided, single submitter. Criteria: ARUP Molecular Germline Variant Investigation Process 2024. Collection method: clinical testing. Allele origin: germline.
Comment: The DNAH1 c.10508G>A; p.Arg3503His variant (rs534018336), to our knowledge, is not reported in the medical literature or gene specific databases. This variant is only observed on one allele in the Genome Aggregation Database (v2.1.1), indicating it is not a common polymorphism. Computational analyses predict that this variant is neutral (REVEL: 0.101). However, given the lack of clinical and functional data, the significance of this variant is uncertain at this time.

Ambry Genetics
Classification: Uncertain significance. Last evaluated: 2024-11-10. Review status: criteria provided, single submitter. Criteria: Ambry Variant Classification Scheme 2023. Collection method: clinical testing. Allele origin: germline.